The following is an entry in ClinVar:

ClinVar aggregate classification (germline): Uncertain significance (1 of 4 stars; one submission).

Conditions:
Long QT syndrome (LQTS). Identifiers: MedGen C0023976, MeSH D008133, MONDO:0002442. Disease mechanism: loss of function. Inheritance: Various modes of inheritance.

gnomAD v4.1: 2 of 1,613,468 alleles (0.00012%); highest among the groups gnomAD compares: Admixed American, 0.0017%; no homozygotes.

Submission:

Labcorp Genetics (formerly Invitae), Labcorp
Classification: Uncertain significance for Long QT syndrome. Last evaluated: 2026-01-11. Review status: criteria provided, single submitter. Criteria: Invitae Variant Classification Sherloc (09022015). Collection method: clinical testing. Allele origin: germline.
Comment: This sequence change replaces glycine, which is neutral and non-polar, with glutamic acid, which is acidic and polar, at codon 745 of the KCNH2 protein (p.Gly745Glu). This variant is not present in population databases (gnomAD no frequency). This variant has not been reported in the literature in individuals affected with KCNH2-related conditions. An algorithm developed to predict the effect of missense changes on protein structure and function (PolyPhen-2) suggests that this variant is likely to be disruptive. In summary, the available evidence is currently insufficient to determine the role of this variant in disease. Therefore, it has been classified as a Variant of Uncertain Significance.

NM_000238.4(KCNH2):c.2234G>A (p.Gly745Glu)

Gene: KCNH2 (potassium voltage-gated channel subfamily H member 2; minus strand). Cytogenetic location: 7q36.1.
Variant type: single nucleotide variant.
Coding change: c.2234G>A on transcript NM_000238.4 (MANE Select); coding-DNA position 2234, G replaced by A.
Protein change: p.Gly745Glu; replaces glycine 745 with glutamic acid.
Molecular consequence: missense variant. On other transcripts: non-coding transcript variant (2).
Genome position (GRCh38, 1-based): chr7:150,950,332, C>T on the plus strand (G>A on the coding strand, the complement: KCNH2 is on the minus strand). VCF-style: chr7-150950332-C-T. GRCh37 (hg19) VCF-style: chr7-150647420-C-T.
Other names: c.1214G>A, p.Gly405Glu (NM_001204798.2, NM_172057.3); c.1946G>A, p.Gly649Glu (NM_001406753.1, NM_001406756.1); c.2057G>A, p.Gly686Glu (NM_001406755.1); c.1934G>A, p.Gly645Glu (NM_001406757.1); c.2234G>A, p.Gly745Glu (NM_172056.3); short protein forms G405E, G686E, G745E, G649E, G645E.
Identifiers: ClinVar variation 4764948 (VCV004764948.1).
Genomic context (GRCh38, chr7:150,950,332, plus strand): 5'-GGCGGTGCATGTGTGGTCTTGAACTTCATGGCCAGGGCCCGAAGGCAGCCCTTGGTGGCC[C>T]CTCGGAAGGGTTTGCAGTGCTGCAGCAGTGAGCGGTTCAGGTGCAGGCAGATGTCAGCCT-3'
Protein context (NP_000229.1, residues 735-755): SLLQHCKPFR[Gly745Glu]ATKGCLRALA